The following is an entry in ClinVar:

ClinVar aggregate classification (germline): Pathogenic. Review status: criteria provided, multiple submitters, no conflicts (2 of 4 stars). 5 submissions from 5 submitters: Pathogenic (3). 2 of the submissions do not count toward it. Last evaluated 2024-06-18.

Conditions:
Tuberous sclerosis 2 (TSC2). Identifiers: Orphanet 805, MedGen C1860707, MONDO:0013199, OMIM 613254.
Lymphangiomyomatosis (LAM). Also called: Lymphangioleiomyomatosis; Lymphangioleiomyomatosis, somatic. Identifiers: Orphanet 538, MedGen C0751674, MONDO:0011705, OMIM 606690.
Isolated focal cortical dysplasia type II (FCORD2). Also called: CORTICAL DYSPLASIA OF TAYLOR; Focal cortical dysplasia type II. Identifiers: Orphanet 268994, MedGen C1846385, MONDO:0011818, OMIM 607341, HP:0032051.
Tuberous sclerosis syndrome (TSC). Also called: Tuberous Sclerosis Complex; Tuberous sclerosis. Identifiers: Orphanet 805, MedGen C0041341, MONDO:0001734.

Submissions (5):

Myriad Genetics, Inc.
Classification: Pathogenic for Tuberous sclerosis 2. Last evaluated: 2024-06-18. Review status: criteria provided, single submitter. Criteria: Myriad Autosomal Dominant, Autosomal Recessive and X-Linked Classification Criteria (2023). Collection method: clinical testing. Allele origin: unknown.
Comment: This variant is considered pathogenic. This variant creates a termination codon and is predicted to result in premature protein truncation.

Fulgent Genetics
Classification: Pathogenic for Lymphangiomyomatosis; Isolated focal cortical dysplasia type II; Tuberous sclerosis 2. Last evaluated: 2024-05-09. Review status: criteria provided, single submitter. Criteria: ACMG Guidelines, 2015. Collection method: clinical testing. Allele origin: germline.

GeneDx
Classification: Pathogenic. Last evaluated: 2016-04-07. Review status: criteria provided, single submitter. Criteria: GeneDx Variant Classification (06012015). Collection method: clinical testing. Allele origin: germline. Affected: yes.
Comment: The Y776X nonsense variant in the TSC2 gene has been reported previously in an individual with tuberous sclerosis complex (TSC); this individual also had a missense variant identified in a TSC gene (Dabora et al., 2001; TSC2 LOVD). This pathogenic variant is predicted to cause loss of normal protein function either through protein truncation or nonsense-mediated mRNA decay. Therefore, we interpret Y776X as a pathogenic variant.

Division of Genomic Medicine, Department of Advanced Medicine, Medical Research Institute, Kanazawa Medical University
Classification: Pathogenic for Tuberous sclerosis 2. Last evaluated: 2020-06-11. Review status: no assertion criteria provided. Collection method: clinical testing. Allele origin: germline. Affected: yes. Observed: 1 variant allele. Not counted in ClinVar's aggregate classification.

Tuberous sclerosis database (TSC2)
No classification provided. Condition: TSC. Review status: no classification provided. Criteria: Tuberous Sclerosis Database Assertion Criteria 2015. Collection method: curation. Allele origin: germline. Affected: yes. Not counted in ClinVar's aggregate classification.

NM_000548.5(TSC2):c.2328C>A (p.Tyr776Ter)

Gene: TSC2 (TSC complex subunit 2; plus strand). Cytogenetic location: 16p13.3.
Variant type: single nucleotide variant.
Coding change: c.2328C>A on transcript NM_000548.5 (MANE Select); coding-DNA position 2328, C replaced by A.
Protein change: p.Tyr776Ter; replaces tyrosine 776 with a stop codon.
Molecular consequence: nonsense.
Genome position (GRCh38, 1-based): chr16:2,072,956, C>A. VCF-style: chr16-2072956-C-A. GRCh37 (hg19) VCF-style: chr16-2122957-C-A.
Other names: c.2328C>A, p.Tyr776Ter (NM_001370404.1, NM_001370405.1, NM_021055.3 and 3 more transcripts); c.2217C>A, p.Tyr739Ter (NM_001318827.2); c.2181C>A, p.Tyr727Ter (NM_001318829.2); c.1728C>A, p.Tyr576Ter (NM_001318831.2); c.2361C>A, p.Tyr787Ter (NM_001318832.2); short protein forms Y776*, Y739*, Y576*, Y787*, Y727*.
Identifiers: ClinVar variation 49679 (VCV000049679.6), dbSNP rs45517225, ClinGen allele CA017191.